The following is an entry in ClinVar:

ClinVar aggregate classification (germline): Pathogenic (1 of 4 stars; one submission).

Submission:

Labcorp Genetics (formerly Invitae), Labcorp
Classification: Pathogenic. Last evaluated: 2021-10-14. Review status: criteria provided, single submitter. Criteria: Invitae Variant Classification Sherloc (09022015). Collection method: clinical testing. Allele origin: germline.
Comment: For these reasons, this variant has been classified as Pathogenic. This variant has not been reported in the literature in individuals affected with CNGB3-related conditions. This variant is not present in population databases (ExAC no frequency). This sequence change creates a premature translational stop signal (p.Tyr534Phefs*6) in the CNGB3 gene. It is expected to result in an absent or disrupted protein product. Loss-of-function variants in CNGB3 are known to be pathogenic (PMID: 28795510).

Literature cited by the submitters: PubMed 28795510.

NM_019098.5(CNGB3):c.1599_1600dup (p.Tyr534fs)

Gene: CNGB3 (cyclic nucleotide gated channel subunit beta 3; minus strand). Cytogenetic location: 8q21.3.
Variant type: Duplication.
Coding change: c.1599_1600dup on transcript NM_019098.5 (MANE Select); coding-DNA positions 1599 to 1600, 2 bases duplicated (TT; older notation c.1599_1600dupTT).
Protein change: p.Tyr534fs; shifts the reading frame from tyrosine 534.
Molecular consequence: frameshift variant.
Genome position (GRCh38, 1-based): chr8:86,611,650-86,611,651, AA duplicated on the plus strand (TT on the coding strand, the reverse complement: CNGB3 is on the minus strand); duplicating any 2 consecutive bases within chr8:86,611,650-86,611,652 gives the same sequence; the c. name uses the placement nearest the transcript's 3' end. VCF-style (leftmost placement, unchanged base first): chr8-86611649-T-TAA. GRCh37 (hg19) VCF-style: chr8-87623877-T-TAA.
Other names: short protein forms Y534fs.
Identifiers: ClinVar variation 1386651 (VCV001386651.7), dbSNP rs2131565806, ClinGen allele CA2573143401.